The following is an entry in ClinVar:

ClinVar aggregate classification (germline): Uncertain significance (1 of 4 stars; one submission).

Allele frequency attached by ClinVar (database versions not stated): ExAC 0.00001; gnomAD 0.00001; gnomAD exomes 0.00001; TOPMed 0.00001; ESP Exome Variant Server 0.00008; 1000 Genomes Project 30x 0.00016; 1000 Genomes Project 0.00020.
gnomAD v4.1: 11 of 1,580,574 alleles (0.0007%); highest among the groups gnomAD compares: African/African-American, 0.0014%; no homozygotes.

Submission:

Labcorp Genetics (formerly Invitae), Labcorp
Classification: Uncertain significance. Last evaluated: 2024-11-17. Review status: criteria provided, single submitter. Criteria: Invitae Variant Classification Sherloc (09022015). Collection method: clinical testing. Allele origin: germline.
Comment: This sequence change replaces arginine, which is basic and polar, with cysteine, which is neutral and slightly polar, at codon 323 of the MCM5 protein (p.Arg323Cys). This variant is present in population databases (rs199849804, gnomAD 0.007%). This variant has not been reported in the literature in individuals affected with MCM5-related conditions. ClinVar contains an entry for this variant (Variation ID: 1468554). Invitae Evidence Modeling of protein sequence and biophysical properties (such as structural, functional, and spatial information, amino acid conservation, physicochemical variation, residue mobility, and thermodynamic stability) has been performed for this missense variant. However, the output from this modeling did not meet the statistical confidence thresholds required to predict the impact of this variant on MCM5 protein function. In summary, the available evidence is currently insufficient to determine the role of this variant in disease. Therefore, it has been classified as a Variant of Uncertain Significance.

NM_006739.4(MCM5):c.967C>T (p.Arg323Cys)

Gene: MCM5 (minichromosome maintenance complex component 5; plus strand). Cytogenetic location: 22q12.3.
Variant type: single nucleotide variant.
Coding change: c.967C>T on transcript NM_006739.4 (MANE Select); coding-DNA position 967, C replaced by T.
Protein change: p.Arg323Cys; replaces arginine 323 with cysteine.
Molecular consequence: missense variant.
Genome position (GRCh38, 1-based): chr22:35,412,557, C>T. VCF-style: chr22-35412557-C-T. GRCh37 (hg19) VCF-style: chr22-35808550-C-T.
Other names: short protein forms R323C.
Identifiers: ClinVar variation 1468554 (VCV001468554.6), dbSNP rs199849804, ClinGen allele CA10205229.